The following is an entry in ClinVar:

ClinVar aggregate classification (germline): Likely benign. Review status: criteria provided, multiple submitters, no conflicts (2 of 4 stars). 5 submissions from 5 submitters: Likely benign (5). Last evaluated 2026-09-23.

Conditions:
PRX-related disorder. Also called: PRX-related condition; PRX-Related Disorders.
Inborn genetic diseases. Identifiers: MedGen C0950123, MeSH D030342.
Charcot-Marie-Tooth disease type 4. Also called: Charcot-Marie-Tooth disease, type IV; Charcot-Marie-Tooth, Type 4. Identifiers: Orphanet 64749, MedGen C4082197, MONDO:0018995.
Charcot-Marie-Tooth disease. Also called: Charcot-Marie-Tooth Neuropathy; Charcot-Marie-Tooth Hereditary Neuropathy. Identifiers: Orphanet 166, MedGen C0007959, MONDO:0015626.

Allele frequency attached by ClinVar (database versions not stated): gnomAD 0.00005; TOPMed 0.00009.
gnomAD v4.1: 99 of 1,561,310 alleles (0.0063%); highest among the groups gnomAD compares: Non-Finnish European, 0.0076%; no homozygotes.

Submissions (5):

PreventionGenetics, part of Exact Sciences
Classification: Likely benign for PRX-related condition. Last evaluated: 2026-09-23. Review status: criteria provided, single submitter. Criteria: ACMG Guidelines, 2015. Collection method: clinical testing. Allele origin: germline.
Comment: This variant is classified as likely benign based on ACMG/AMP sequence variant interpretation guidelines (Richards et al. 2015 PMID: 25741868, with internal and published modifications).

Labcorp Genetics (formerly Invitae), Labcorp
Classification: Likely benign for Charcot-Marie-Tooth disease type 4. Last evaluated: 2025-08-29. Review status: criteria provided, single submitter. Criteria: Invitae Variant Classification Sherloc (09022015). Collection method: clinical testing. Allele origin: germline.

Ambry Genetics
Classification: Likely benign for Inborn genetic diseases. Last evaluated: 2019-07-11. Review status: criteria provided, single submitter. Criteria: Ambry Variant Classification Scheme 2023. Collection method: clinical testing. Allele origin: germline.

GeneDx
Classification: Likely benign. Last evaluated: 2017-02-14. Review status: criteria provided, single submitter. Criteria: GeneDx Variant Classification (06012015). Collection method: clinical testing. Allele origin: germline. Affected: yes.
Comment: This variant is considered likely benign or benign based on one or more of the following criteria: it is a conservative change, it occurs at a poorly conserved position in the protein, it is predicted to be benign by multiple in silico algorithms, and/or has population frequency not consistent with disease.

Molecular Genetics Laboratory, London Health Sciences Centre
Classification: Likely benign for Charcot-Marie-Tooth disease. Review status: criteria provided, single submitter. Criteria: ACMG Guidelines, 2015. Collection method: clinical testing. Allele origin: germline. Affected: yes.

NM_181882.3(PRX):c.642C>A (p.Pro214=)

Gene: PRX (periaxin; minus strand). Cytogenetic location: 19q13.2.
Variant type: single nucleotide variant.
Coding change: c.642C>A on transcript NM_181882.3 (MANE Select); coding-DNA position 642, C replaced by A.
Protein change: p.Pro214=; no amino-acid change (proline 214 retained).
Molecular consequence: synonymous variant. On other transcripts: 3 prime UTR variant (1).
Genome position (GRCh38, 1-based): chr19:40,397,710, G>T on the plus strand (C>A on the coding strand, the complement: PRX is on the minus strand). VCF-style: chr19-40397710-G-T. GRCh37 (hg19) VCF-style: chr19-40903617-G-T.
Other names: c.*847C>A (NM_020956.2).
Identifiers: ClinVar variation 507425 (VCV000507425.15), dbSNP rs551628239, ClinGen allele CA9444401.
Genomic context (GRCh38, chr19:40,397,710, plus strand): 5'-CACCTGAGGGGCTGTGAAACGAGCTCCTGCAGCCACCTCAGCCTCCACCTTGGCTTTCCT[G>T]GGGGGAGGAGCGGCGGCGGCCAGCCGGGCTGCCTGAGCCTCTTCGGCCACTTCTCGTACA-3'
Protein context (NP_870998.2, residues 204-224): AARLAAAAPP[Pro214=]RKAKVEAEVA